The following is an entry in ClinVar:

ClinVar aggregate classification (germline): Uncertain significance (1 of 4 stars; one submission).

Conditions:
Marfan syndrome (MFS). Also called: MARFAN SYNDROME, TYPE I; Marfan syndrome type 1; Marfan's syndrome; Marfan syndrome, classic; FBN1-Related Marfan Syndrome. Identifiers: Orphanet 284963, Orphanet 558, MedGen C0024796, MONDO:0007947, OMIM 154700.

Submission:

All of Us Research Program, National Institutes of Health
Classification: Uncertain significance for Marfan syndrome. Last evaluated: 2023-10-06. Review status: criteria provided, single submitter. Criteria: ACMG Guidelines, 2015. Collection method: clinical testing. Allele origin: germline. Inheritance: Autosomal dominant inheritance. Observed: 1 variant allele, 1 heterozygote.
Comment: This missense variant replaces glutamine with proline at codon 2598 of the FBN1 protein. Computational prediction suggests that this variant may have deleterious impact on protein structure and function (internally defined REVEL score threshold >= 0.7, PMID: 27666373). To our knowledge, functional studies have not been reported for this variant. This variant has not been reported in individuals affected with FBN1-related disorders in the literature. This variant has not been identified in the general population by the Genome Aggregation Database (gnomAD). The available evidence is insufficient to determine the role of this variant in disease conclusively. Therefore, this variant is classified as a Variant of Uncertain Significance.

This study involves interpretation of variants in research participants for the purpose of population health screening. Participant phenotype was not available at the time of variant classification. Additional details can be found in publication PMID: 35346344, PMCID: PMC8962531

NM_000138.5(FBN1):c.7793A>C (p.Gln2598Pro)

Gene: FBN1 (fibrillin 1; minus strand). Cytogenetic location: 15q21.1.
Variant type: single nucleotide variant.
Coding change: c.7793A>C on transcript NM_000138.5 (MANE Select); coding-DNA position 7793, A replaced by C.
Protein change: p.Gln2598Pro; replaces glutamine 2598 with proline.
Molecular consequence: missense variant.
Genome position (GRCh38, 1-based): chr15:48,420,713, T>G on the plus strand (A>C on the coding strand, the complement: FBN1 is on the minus strand). VCF-style: chr15-48420713-T-G. GRCh37 (hg19) VCF-style: chr15-48712910-T-G.
Other names: c.7793A>C, p.Gln2598Pro (NM_001406716.1); short protein forms Q2598P.
Identifiers: ClinVar variation 3073681 (VCV003073681.1), dbSNP rs2505394912, ClinGen allele CA392324528.